The following is an entry in ClinVar:

ClinVar aggregate classification (germline): Uncertain significance (1 of 4 stars; one submission).

Conditions:
Atrioventricular septal defect 4 (AVSD4). Identifiers: MedGen C3280781, MONDO:0013747, OMIM 614430.

gnomAD v4.1: 1 of 1,614,234 alleles (0.000062%); highest among the groups gnomAD compares: Non-Finnish European, 0.000085%; no homozygotes.

Submission:

Labcorp Genetics (formerly Invitae), Labcorp
Classification: Uncertain significance for Atrioventricular septal defect 4. Last evaluated: 2018-08-24. Review status: criteria provided, single submitter. Criteria: Invitae Variant Classification Sherloc (09022015). Collection method: clinical testing. Allele origin: germline.
Comment: This sequence change replaces isoleucine with valine at codon 255 of the GATA4 protein (p.Ile255Val). The isoleucine residue is moderately conserved and there is a small physicochemical difference between isoleucine and valine. This variant is not present in population databases (ExAC no frequency). This variant has not been reported in the literature in individuals with GATA4-related disease. Algorithms developed to predict the effect of missense changes on protein structure and function (SIFT, PolyPhen-2, Align-GVGD) all suggest that this variant is likely to be tolerated, but these predictions have not been confirmed by published functional studies and their clinical significance is uncertain. In summary, the available evidence is currently insufficient to determine the role of this variant in disease. Therefore, it has been classified as a Variant of Uncertain Significance.

NM_001308093.3(GATA4):c.766A>G (p.Ile256Val)

Gene: GATA4 (GATA binding protein 4). Cytogenetic location: 8p23.1.
Variant type: single nucleotide variant.
Coding change: c.766A>G on transcript NM_001308093.3 (MANE Select); coding-DNA position 766, A replaced by G.
Protein change: p.Ile256Val; replaces isoleucine 256 with valine.
Molecular consequence: missense variant.
Genome position (GRCh38, 1-based): chr8:11,749,065, A>G. VCF-style: chr8-11749065-A-G. GRCh37 (hg19) VCF-style: chr8-11606574-A-G.
Other names: c.145A>G, p.Ile49Val (NM_001308094.2, NM_001374273.1, NM_001374274.1); c.763A>G, p.Ile255Val (NM_002052.5); short protein forms I255V, I49V, I256V.
Identifiers: ClinVar variation 641074 (VCV000641074.1), dbSNP rs914253048, ClinGen allele CA370312848.